The following is an entry in ClinVar:

NM_020843.4(SCAPER):c.411G>A (p.Leu137=)

Gene: SCAPER (S-phase cyclin A associated protein in the ER; minus strand). Cytogenetic location: 15q24.3.
Variant type: single nucleotide variant.
Coding change: c.411G>A on transcript NM_020843.4 (MANE Select); coding-DNA position 411, G replaced by A.
Protein change: p.Leu137=; no amino-acid change (leucine 137 retained).
Molecular consequence: synonymous variant. On other transcripts: 5 prime UTR variant (1), non-coding transcript variant (1).
Genome position (GRCh38, 1-based): chr15:76,804,616, C>T on the plus strand (G>A on the coding strand, the complement: SCAPER is on the minus strand). VCF-style: chr15-76804616-C-T. GRCh37 (hg19) VCF-style: chr15-77096957-C-T.
Other names: c.-487G>A (NM_001145923.2); c.411G>A, p.Leu137= (NM_001353009.2); c.9G>A, p.Leu3= (NM_001353010.2, NM_001353011.2, NM_001353012.2); c.411G>A (NM_001353009.1).
Identifiers: ClinVar variation 4281376 (VCV004281376.9).
Genomic context (GRCh38, chr15:76,804,616, plus strand): 5'-TAGCTTTTCCTGAAGCTGAATCCAGTCAATCAATGCTTTGAAATCTCTTACATAGTTATC[C>T]AGCATCATTAGCACCTCCTAAAAGAAACAAAACAAAAAAAAATTAAATTCCAGTCTGAGA-3'
Protein context (NP_065894.2, residues 127-147): VVECKEVLMM[Leu137=]DNYVRDFKAL

ClinVar aggregate classification (germline): Likely benign. Review status: criteria provided, multiple submitters, no conflicts (2 of 4 stars). 3 submissions from 3 submitters: Likely benign (3). Last evaluated 2025-09-01.

Conditions:
SCAPER-related disorder. Also called: SCAPER-related condition.

gnomAD v4.1: 23 of 1,606,626 alleles (0.0014%); highest among the groups gnomAD compares: Admixed American, 0.039%; no homozygotes.

Submissions (3):

CeGaT Center for Human Genetics Tuebingen
Classification: Likely benign. Last evaluated: 2025-09-01. Review status: criteria provided, single submitter. Criteria: CeGaT Center For Human Genetics Tuebingen Variant Classification Criteria Version 2. Collection method: clinical testing. Allele origin: germline. Affected: yes. Observed: 1 variant allele.
Comment: SCAPER: BP4, BP7

PreventionGenetics, part of Exact Sciences
Classification: Likely benign for SCAPER-related condition. Last evaluated: 2024-12-02. Review status: criteria provided, single submitter. Criteria: ACMG Guidelines, 2015. Collection method: clinical testing. Allele origin: germline.
Comment: This variant is classified as likely benign based on ACMG/AMP sequence variant interpretation guidelines (Richards et al. 2015 PMID: 25741868, with internal and published modifications).

Blueprint Genetics
Classification: Likely benign. Last evaluated: 2021-05-28. Review status: criteria provided, single submitter. Criteria: ACMG Guidelines, 2015. Collection method: clinical testing. Allele origin: germline.